The following is an entry in ClinVar:

NM_153460.4(IL17RC):c.1924G>A (p.Ala642Thr)

Gene: IL17RC (interleukin 17 receptor C; plus strand). Cytogenetic location: 3p25.3.
Variant type: single nucleotide variant.
Coding change: c.1924G>A on transcript NM_153460.4 (MANE Select); coding-DNA position 1924, G replaced by A.
Protein change: p.Ala642Thr; replaces alanine 642 with threonine.
Molecular consequence: missense variant. On other transcripts: non-coding transcript variant (1).
Genome position (GRCh38, 1-based): chr3:9,933,354, G>A. VCF-style: chr3-9933354-G-A. GRCh37 (hg19) VCF-style: chr3-9975038-G-A.
Other names: c.1885G>A, p.Ala629Thr (NM_001203263.2); c.1834G>A, p.Ala612Thr (NM_001203264.2); c.1828G>A, p.Ala610Thr (NM_001203265.2); c.1846G>A, p.Ala616Thr (NM_001367278.1); c.1765G>A, p.Ala589Thr (NM_001367279.1); c.1840G>A, p.Ala614Thr (NM_001367280.1); c.1789G>A, p.Ala597Thr (NM_001410711.1); c.1879G>A, p.Ala627Thr (NM_032732.6); and 1 more; short protein forms A589T, A614T, A616T, A629T, A610T, A627T, A642T, A713T.
Identifiers: ClinVar variation 3016803 (VCV003016803.3), dbSNP rs2084977566, ClinGen allele CA351708298.

ClinVar aggregate classification (germline): Uncertain significance (1 of 4 stars; one submission).

Conditions:
Candidiasis, familial, 9 (CANDF9). Identifiers: Orphanet 1334, MedGen C4225324, MONDO:0014642, OMIM 616445.

Allele frequency attached by ClinVar (database versions not stated): gnomAD exomes 0.00001.
gnomAD v4.1: 17 of 1,611,440 alleles (0.0011%); highest among the groups gnomAD compares: Middle Eastern, 0.017%; no homozygotes.

Submission:

Labcorp Genetics (formerly Invitae), Labcorp
Classification: Uncertain significance for Candidiasis, familial, 9. Last evaluated: 2025-12-07. Review status: criteria provided, single submitter. Criteria: Invitae Variant Classification Sherloc (09022015). Collection method: clinical testing. Allele origin: germline.
Comment: This sequence change replaces alanine, which is neutral and non-polar, with threonine, which is neutral and polar, at codon 713 of the IL17RC protein (p.Ala713Thr). This variant is not present in population databases (gnomAD no frequency). This variant has not been reported in the literature in individuals affected with IL17RC-related conditions. ClinVar contains an entry for this variant (Variation ID: 3016803). An algorithm developed to predict the effect of missense changes on protein structure and function outputs the following: PolyPhen-2: "Possibly Damaging". The threonine amino acid residue is found in multiple mammalian species, which suggests that this missense change does not adversely affect protein function. In summary, the available evidence is currently insufficient to determine the role of this variant in disease. Therefore, it has been classified as a Variant of Uncertain Significance.